The following is an entry in ClinVar:

ClinVar aggregate classification (germline): Uncertain significance. Review status: criteria provided, multiple submitters, no conflicts (2 of 4 stars). 2 submissions from 2 submitters: Uncertain significance (2). Last evaluated 2024-11-14.

Conditions:
Inborn genetic diseases. Identifiers: MedGen C0950123, MeSH D030342.

Allele frequency attached by ClinVar (database versions not stated): gnomAD 0.00001; TOPMed 0.00003.
gnomAD v4.1: 26 of 1,604,170 alleles (0.0016%); highest among the groups gnomAD compares: Non-Finnish European, 0.0017%; no homozygotes.

Submissions (2):

Ambry Genetics
Classification: Uncertain significance for Inborn genetic diseases. Last evaluated: 2024-11-14. Review status: criteria provided, single submitter. Criteria: Ambry Variant Classification Scheme 2023. Collection method: clinical testing. Allele origin: germline.

GeneDx
Classification: Uncertain significance. Last evaluated: 2022-10-13. Review status: criteria provided, single submitter. Criteria: GeneDx Variant Classification Process June 2021. Collection method: clinical testing. Allele origin: germline. Affected: yes.
Comment: Not observed at significant frequency in large population cohorts (gnomAD); In silico analysis supports that this missense variant has a deleterious effect on protein structure/function; Has not been previously published as pathogenic or benign to our knowledge

NM_018480.7(TMEM126B):c.412G>A (p.Glu138Lys)

Gene: TMEM126B (transmembrane protein 126B; plus strand). Cytogenetic location: 11q14.1.
Variant type: single nucleotide variant.
Coding change: c.412G>A on transcript NM_018480.7 (MANE Select); coding-DNA position 412, G replaced by A.
Protein change: p.Glu138Lys; replaces glutamic acid 138 with lysine.
Molecular consequence: missense variant. On other transcripts: non-coding transcript variant (2).
Genome position (GRCh38, 1-based): chr11:85,635,681, G>A. VCF-style: chr11-85635681-G-A. GRCh37 (hg19) VCF-style: chr11-85346725-G-A.
Other names: c.352G>A, p.Glu118Lys (NM_001193537.3); c.322G>A, p.Glu108Lys (NM_001193538.3, NM_001256546.2); c.274G>A, p.Glu92Lys (NM_001256547.2); c.187G>A, p.Glu63Lys (NM_001350393.1); c.412G>A (NM_018480.3); short protein forms E108K, E118K, E138K, E63K, E92K.
Identifiers: ClinVar variation 2499185 (VCV002499185.2), dbSNP rs918262592, ClinGen allele CA225287905.